The following is an entry in ClinVar:

NM_000053.4(ATP7B):c.3886G>A (p.Asp1296Asn)

Gene: ATP7B (ATPase copper transporting beta; minus strand). Cytogenetic location: 13q14.3.
Variant type: single nucleotide variant.
Coding change: c.3886G>A on transcript NM_000053.4 (MANE Select); coding-DNA position 3886, G replaced by A.
Protein change: p.Asp1296Asn; replaces aspartic acid 1296 with asparagine.
Molecular consequence: missense variant.
Genome position (GRCh38, 1-based): chr13:51,937,493, C>T on the plus strand (G>A on the coding strand, the complement: ATP7B is on the minus strand). VCF-style: chr13-51937493-C-T. GRCh37 (hg19) VCF-style: chr13-52511629-C-T.
Other names: c.3265G>A, p.Asp1089Asn (NM_001005918.3); c.3553G>A, p.Asp1185Asn (NM_001243182.2); c.3652G>A, p.Asp1218Asn (NM_001330578.2); c.3634G>A, p.Asp1212Asn (NM_001330579.2); short protein forms D1296N, D1089N, D1185N, D1212N, D1218N.
Identifiers: ClinVar variation 161207 (VCV000161207.39), dbSNP rs199821556, ClinGen allele CA272855.

ClinVar aggregate classification (germline): Conflicting classifications of pathogenicity. Review status: criteria provided, conflicting classifications (1 of 4 stars). 17 submissions from 17 submitters: Pathogenic (1); Likely pathogenic (8); Uncertain significance (6). 2 of the submissions do not count toward it. Last evaluated 2026-09-04.

Conditions:
ATP7B-related disorder. Also called: ATP7B-related condition.
Wilson disease (WND). Also called: Wilson's disease. Identifiers: Orphanet 905, MedGen C0019202, MONDO:0010200, OMIM 277900. Disease mechanism: loss of function.

Allele frequency attached by ClinVar (database versions not stated): TOPMed 0.00005; ExAC 0.00014; gnomAD 0.00014 and 0.00017; 1000 Genomes Project 30x 0.00016; ESP Exome Variant Server 0.00016; gnomAD exomes 0.00016 and 0.00020; 1000 Genomes Project 0.00020.
gnomAD v4.1: 248 of 1,614,046 alleles (0.015%); highest among the groups gnomAD compares: East Asian, 0.27%; no homozygotes.

Submissions 1 to 9 of 17:

Myriad Genetics, Inc.
Classification: Uncertain significance for Wilson disease. Last evaluated: 2026-09-04. Review status: criteria provided, single submitter. Criteria: Myriad Autosomal Dominant, Autosomal Recessive and X-Linked Classification Criteria (2023). Collection method: clinical testing. Allele origin: unknown.
Comment: NM_000053.3(ATP7B):c.3886G>A(D1296N) is a missense variant classified as a variant of uncertain significance in the context of Wilson disease. D1296N has been observed in cases with relevant disease (PMID: 32618023, 12032531, 11954751, 18424137). Relevant functional assessments of this variant are available in the literature (PMID: 40661833). D1296N has been observed in referenced population frequency databases. In summary, there is insufficient evidence to classify NM_000053.3(ATP7B):c.3886G>A(D1296N) as pathogenic or benign. Please note: this variant was assessed in the context of healthy population screening.

Labcorp Genetics (formerly Invitae), Labcorp
Classification: Pathogenic for Wilson disease. Last evaluated: 2026-01-22. Review status: criteria provided, single submitter. Criteria: Invitae Variant Classification Sherloc (09022015). Collection method: clinical testing. Allele origin: germline.
Comment: This sequence change replaces aspartic acid, which is acidic and polar, with asparagine, which is neutral and polar, at codon 1296 of the ATP7B protein (p.Asp1296Asn). This variant is present in population databases (rs199821556, gnomAD 0.2%). This missense change has been observed in individual(s) with Wilson disease (PMID: 11954751, 12032531, 18424137, 21707886, 32618023). In at least one individual the data is consistent with being in trans (on the opposite chromosome) from a pathogenic variant. ClinVar contains an entry for this variant (Variation ID: 161207). Invitae Evidence Modeling of protein sequence and biophysical properties (such as structural, functional, and spatial information, amino acid conservation, physicochemical variation, residue mobility, and thermodynamic stability) indicates that this missense variant is not expected to disrupt ATP7B protein function with a negative predictive value of 80%. For these reasons, this variant has been classified as Pathogenic.

Natera, Inc.
Classification: Likely pathogenic for Wilson disease. Last evaluated: 2025-08-12. Review status: criteria provided, single submitter. Criteria: Natera Variant Classification Schema (03/2026). Collection method: clinical testing. Allele origin: germline.
Comment: The c.3886G>A variant in ATP7B is a missense variant predicted to cause substitution of aspartic acid to asparagine at amino acid 1296. This variant is rare in the general population with a frequency below the threshold expected for the associated phenotype(s). This variant has been observed in one or more individuals affected with the associated recessive disease, as either homozygous or compound heterozygous with a second variant (PMID: 32618023, 18424137, 11954751). Additionally, this variant has been observed to segregate in affected family members (PMID: 11954751). This variant has been identified in one or more affected individuals with a phenotype highly consistent with the associated gene (PMID: 18424137). Computational prediction algorithms indicate this variant is likely to affect gene or protein function. Given the available evidence, this variant is classified as Likely Pathogenic.

Color Diagnostics, LLC DBA Color Health
Classification: Uncertain significance for Wilson disease. Last evaluated: 2025-06-19. Review status: criteria provided, single submitter. Criteria: ACMG Guidelines, 2015. Collection method: clinical testing. Allele origin: germline.
Comment: This missense variant replaces aspartic acid with asparagine at codon 1296 of the ATP7B protein. Computational prediction suggests that this variant may have deleterious impact on protein structure and function. To our knowledge, functional studies have not been reported for this variant. This variant has been reported in biallelic individuals affected with Wilson disease (PMID: 32618023, 33948933) or presymptomatic for Wilson disease (PMID: 11954751, 12032531, 18424137). This variant has also been reported in many unaffected individuals (PMID: 20465995, 21707886, 33260258). This variant occurs at an elevated allele frequency in the general population: it has been observed in 1141/122678 (0.93%) Japanese chromosomes, 121/44874 (0.27%) East Asian chromosomes (gnomAD v4), and 87/63922 (0.14%) Finnish European chromosomes (gnomAD v4). The available evidence is insufficient to determine the role of this variant in disease conclusively. Therefore, this variant is classified as a Variant of Uncertain Significance.

Women's Health and Genetics/Laboratory Corporation of America, LabCorp
Classification: Likely pathogenic for Wilson disease. Last evaluated: 2025-05-23. Review status: criteria provided, single submitter. Criteria: LabCorp Variant Classification Summary - May 2015. Collection method: clinical testing. Allele origin: germline.
Comment: Variant summary: ATP7B c.3886G>A (p.Asp1296Asn) results in a conservative amino acid change located in the P-type ATPase, haloacid dehalogenase domain (IPR044492) of the encoded protein sequence. Algorithms developed to predict the effect of missense changes on protein structure and function are either unavailable or do not agree on the potential impact of this missense change. The variant allele was found at a frequency of 0.0002 in 249436 control chromosomes. This frequency is not significantly higher than estimated for a pathogenic variant in ATP7B causing Wilson Disease (0.0002 vs 0.0054), allowing no conclusion about variant significance. c.3886G>A has been reported in the literature in multiple individuals affected with Wilson Disease, including at least three homozygotes (Knuutinen_2021, Sipila_2020) and several compound heterozygous patients diagnosed in the presymptomatic stage (e.g. Ohya_2002, Owada_2002, Nakayama_2008, Lee_2011). These data indicate that the variant is very likely to be associated with disease. The following publications have been ascertained in the context of this evaluation (PMID: 33948933, 21645214, 18424137, 11954751, 12032531, 32618023). ClinVar contains an entry for this variant (Variation ID: 161207). Based on the evidence outlined above, the variant was classified as likely pathogenic.

PreventionGenetics, part of Exact Sciences
Classification: Likely pathogenic for ATP7B-related condition. Last evaluated: 2025-01-22. Review status: criteria provided, single submitter. Criteria: ACMG Guidelines, 2015. Collection method: clinical testing. Allele origin: germline.
Comment: The ATP7B c.3886G>A variant is predicted to result in the amino acid substitution p.Asp1296Asn. This variant has been reported in the homozygous state and compound heterozygous state with a second ATP7B variant in many individuals with Wilson disease (Ohya et al. 2002. PubMed ID: 11954751; Sipilä et al. 2023. PubMed ID: 36966606; Nakayama et al. 2008. PubMed ID: 18424137). This variant has been shown to segregate with disease in two unrelated families (Ohya et al. 2002. PubMed ID: 11954751; Nakayama et al. 2008. PubMed ID: 18424137). In two siblings with presymptomatic forms of Wilson disease, liver biopsies showed mild degenerative disease and high copper content (Ohya et al. 2002. PubMed ID: 11954751). This variant is reported in 0.18% of alleles in individuals of European (Finnish) descent in gnomAD. This variant is interpreted as likely pathogenic.

Fulgent Genetics
Classification: Likely pathogenic for Wilson disease. Last evaluated: 2024-04-11. Review status: criteria provided, single submitter. Criteria: ACMG Guidelines, 2015. Collection method: clinical testing. Allele origin: germline.

Baylor Genetics
Classification: Likely pathogenic for Wilson disease. Last evaluated: 2024-03-27. Review status: criteria provided, single submitter. Criteria: ACMG Guidelines, 2015. Collection method: clinical testing. Allele origin: unknown.

All of Us Research Program, National Institutes of Health
Classification: Uncertain significance for Wilson disease. Last evaluated: 2024-01-11. Review status: criteria provided, single submitter. Criteria: ACMG Guidelines, 2015. Collection method: clinical testing. Allele origin: germline. Inheritance: Autosomal recessive inheritance. Observed: 10 variant alleles, 10 heterozygotes.
Comment: This missense variant replaces aspartic acid with asparagine at codon 1296 of the ATP7B protein. Computational prediction suggests that this variant may have deleterious impact on protein structure and function (internally defined REVEL score threshold >= 0.7, PMID: 27666373). To our knowledge, functional studies have not been reported for this variant. This variant has been reported in the homozygous state in individuals affected with Wilson disease (PMID: 32618023, 33948933) and in the compound heterozygous state in individuals presymptomatic for Wilson disease (PMID: 11954751, 12032531, 18424137). This variant has been detected in an individual with cancer (PMID: 20045993) and in unaffected populations (PMID: 20465995, 21707886, 33260258). This variant has been identified in 56/280818 chromosomes in the general population by the Genome Aggregation Database (gnomAD). The available evidence is insufficient to determine the role of this variant in disease conclusively. Therefore, this variant is classified as a Variant of Uncertain Significance.

This study involves interpretation of variants in research participants for the purpose of population health screening. Participant phenotype was not available at the time of variant classification. Additional details can be found in publication PMID: 35346344, PMCID: PMC8962531